The following is an entry in ClinVar:

ClinVar aggregate classification (germline): Uncertain significance. Review status: criteria provided, multiple submitters, no conflicts (2 of 4 stars). 2 submissions from 2 submitters: Uncertain significance (2). Last evaluated 2024-07-02.

Conditions:
Familial thoracic aortic aneurysm and aortic dissection (TAAD). Also called: Thoracic aortic aneurysms and dissections. Identifiers: Orphanet 91387, MedGen C4707243, MONDO:0019625.

Submissions (2):

GeneDx
Classification: Uncertain significance. Last evaluated: 2024-07-02. Review status: criteria provided, single submitter. Criteria: GeneDx Variant Classification Process June 2021. Collection method: clinical testing. Allele origin: germline. Affected: yes.
Comment: Not observed at significant frequency in large population cohorts (gnomAD); In silico analysis supports that this missense variant has a deleterious effect on protein structure/function; Has not been previously published as pathogenic or benign to our knowledge

Labcorp Genetics (formerly Invitae), Labcorp
Classification: Uncertain significance for Familial thoracic aortic aneurysm and aortic dissection. Last evaluated: 2022-07-12. Review status: criteria provided, single submitter. Criteria: Invitae Variant Classification Sherloc (09022015). Collection method: clinical testing. Allele origin: germline.
Comment: In summary, the available evidence is currently insufficient to determine the role of this variant in disease. Therefore, it has been classified as a Variant of Uncertain Significance. Advanced modeling of protein sequence and biophysical properties (such as structural, functional, and spatial information, amino acid conservation, physicochemical variation, residue mobility, and thermodynamic stability) performed at Invitae indicates that this missense variant is expected to disrupt SMAD3 protein function. ClinVar contains an entry for this variant (Variation ID: 1024570). This variant has not been reported in the literature in individuals affected with SMAD3-related conditions. This variant is not present in population databases (gnomAD no frequency). This sequence change replaces leucine, which is neutral and non-polar, with proline, which is neutral and non-polar, at codon 71 of the SMAD3 protein (p.Leu71Pro).

NM_005902.4(SMAD3):c.212T>C (p.Leu71Pro)

Gene: SMAD3 (SMAD family member 3; plus strand). Cytogenetic location: 15q22.33.
Variant type: single nucleotide variant.
Coding change: c.212T>C on transcript NM_005902.4 (MANE Select); coding-DNA position 212, T replaced by C.
Protein change: p.Leu71Pro; replaces leucine 71 with proline.
Molecular consequence: missense variant. On other transcripts: 5 prime UTR variant (1).
Genome position (GRCh38, 1-based): chr15:67,164,900, T>C. VCF-style: chr15-67164900-T-C. GRCh37 (hg19) VCF-style: chr15-67457238-T-C.
Other names: c.212T>C (NM_005902.3); c.-104T>C (NM_001145102.2); c.80T>C, p.Leu27Pro (NM_001145103.2); short protein forms L27P, L71P.
Identifiers: ClinVar variation 1024570 (VCV001024570.9), dbSNP rs1262859970, ClinGen allele CA392953441.
Genomic context (GRCh38, chr15:67,164,900, plus strand): 5'-GAAAGCAAGCACAATCCACATTTCCCTCTCTTTCTGCCCCTCCCCGTCCTGGCAGGTCCC[T>C]GGATGGCCGGTTGCAGGTGTCCCATCGGAAGGGGCTCCCTCATGTCATCTACTGCCGCCT-3'
Protein context (NP_005893.1, residues 61-81): NTKCITIPRS[Leu71Pro]DGRLQVSHRK